The following is an entry in ClinVar:

ClinVar aggregate classification (germline): Likely pathogenic. Review status: criteria provided, single submitter (1 of 4 stars). 2 submissions from 2 submitters: Likely pathogenic (1). 1 of the submissions does not count toward it. Last evaluated 2025-01-30.

Submissions (2):

GeneDx
Classification: Likely pathogenic. Last evaluated: 2025-01-30. Review status: criteria provided, single submitter. Criteria: GeneDx Variant Classification Process June 2021. Collection method: clinical testing. Allele origin: germline. Affected: yes.
Comment: Not observed at significant frequency in large population cohorts (gnomAD); Canonical splice site variant predicted to result in an in-frame loss of the adjacent exon in a gene for which loss of function is a known mechanism of disease; This variant is associated with the following publications: (PMID: 25525159, 8566955)

GenMed Metabolism Lab
Classification: Pathogenic. Review status: no assertion criteria provided. Collection method: not provided. Allele origin: unknown. Not counted in ClinVar's aggregate classification.
Comment: Neonatal, Donor splice site error
ClinVar note: Converted during submission from pathogenic to Pathogenic.

NM_000531.6(OTC):c.867+1G>T

Gene: OTC (ornithine transcarbamylase; plus strand). Cytogenetic location: Xp11.4.
Variant type: single nucleotide variant.
Coding change: c.867+1G>T on transcript NM_000531.6 (MANE Select); the canonical splice donor site of the intron after coding-DNA position 867, G replaced by T.
Molecular consequence: splice donor variant.
Genome position (GRCh38, 1-based): chrX:38,409,026, G>T. VCF-style: chrX-38409026-G-T. GRCh37 (hg19) VCF-style: chrX-38268279-G-T.
Other names: c.867+1G>T (NM_001407092.1).
Identifiers: ClinVar variation 97343 (VCV000097343.3), dbSNP rs66512766, ClinGen allele CA224814.
Genomic context (GRCh38, chrX:38,409,026, plus strand): 5'-CAAGAAGAGGAGAAGAAAAAGCGGCTCCAGGCTTTCCAAGGTTACCAGGTTACAATGAAG[G>T]TACAAATTGATGCCTCTCTGAAGGTTCATTAATTCCATTCATGAAGGCCAGAACCATCTA-3'